The following is an entry in ClinVar:

ClinVar aggregate classification (germline): Uncertain significance (1 of 4 stars; one submission).

Conditions:
Inborn genetic diseases. Identifiers: MedGen C0950123, MeSH D030342.

Submission:

Ambry Genetics
Classification: Uncertain significance for Inborn genetic diseases. Last evaluated: 2025-02-09. Review status: criteria provided, single submitter. Criteria: Ambry Variant Classification Scheme 2023. Collection method: clinical testing. Allele origin: germline.
Comment: The p.K1130N variant (also known as c.3390A>C), located in coding exon 1 of the SAMD9 gene, results from an A to C substitution at nucleotide position 3390. The lysine at codon 1130 is replaced by asparagine, an amino acid with similar properties. This amino acid position is conserved. In addition, this alteration is predicted to be tolerated by in silico analysis. Based on the available evidence, the clinical significance of this variant remains unclear.

NM_017654.4(SAMD9):c.3390A>C (p.Lys1130Asn)

Gene: SAMD9 (sterile alpha motif domain containing 9; minus strand). Cytogenetic location: 7q21.2.
Variant type: single nucleotide variant.
Coding change: c.3390A>C on transcript NM_017654.4 (MANE Select); coding-DNA position 3390, A replaced by C.
Protein change: p.Lys1130Asn; replaces lysine 1130 with asparagine.
Molecular consequence: missense variant.
Genome position (GRCh38, 1-based): chr7:93,102,708, T>G on the plus strand (A>C on the coding strand, the complement: SAMD9 is on the minus strand). VCF-style: chr7-93102708-T-G. GRCh37 (hg19) VCF-style: chr7-92732021-T-G.
Other names: c.3390A>C, p.Lys1130Asn (NM_001193307.2); short protein forms K1130N.
Identifiers: ClinVar variation 3792075 (VCV003792075.1).